The following is an entry in ClinVar:

ClinVar aggregate classification (germline): Pathogenic/Likely pathogenic. Review status: criteria provided, multiple submitters, no conflicts (2 of 4 stars). 2 submissions from 2 submitters: Pathogenic (1); Likely pathogenic (1). Last evaluated 2025-01-14.

Conditions:
Tuberous sclerosis 1 (TSC1). Identifiers: Orphanet 805, MedGen C1854465, MONDO:0008612, OMIM 191100.

Submissions (2):

Labcorp Genetics (formerly Invitae), Labcorp
Classification: Pathogenic for Tuberous sclerosis 1. Last evaluated: 2025-01-14. Review status: criteria provided, single submitter. Criteria: Invitae Variant Classification Sherloc (09022015). Collection method: clinical testing. Allele origin: germline.
Comment: This sequence change creates a premature translational stop signal (p.Arg336Thrfs*5) in the TSC1 gene. It is expected to result in an absent or disrupted protein product. Loss-of-function variants in TSC1 are known to be pathogenic (PMID: 10227394, 17304050). This variant is not present in population databases (gnomAD no frequency). This variant has not been reported in the literature in individuals affected with TSC1-related conditions. ClinVar contains an entry for this variant (Variation ID: 1333321). For these reasons, this variant has been classified as Pathogenic.

3billion
Classification: Likely pathogenic for Tuberous sclerosis 1. Last evaluated: 2022-01-03. Review status: criteria provided, single submitter. Criteria: ACMG Guidelines, 2015. Collection method: clinical testing. Allele origin: germline. Affected: yes. Observed: 1 heterozygote.
Comment: Frameshift: predicted to result in a loss or disruption of normal protein function through nonsense-mediated decay (NMD) or protein truncation. Multiple pathogenic variants are reported downstream of the variant (PVS1_VS). It is not observed in the gnomAD v2.1.1 dataset (PM2_M). Therefore, this variant is classified as likely pathogenic according to the recommendation of ACMG/AMP guideline.

Literature cited by the submitters: PubMed 10227394 (cited by Labcorp Genetics (formerly Invitae), Labcorp); PubMed 17304050 (cited by Labcorp Genetics (formerly Invitae), Labcorp).

NM_000368.5(TSC1):c.1005dup (p.Arg336fs)

Gene: TSC1 (TSC complex subunit 1; minus strand). Cytogenetic location: 9q34.13.
Variant type: Duplication.
Coding change: c.1005dup on transcript NM_000368.5 (MANE Select); coding-DNA position 1005, one base duplicated (A; older notation c.1005dupA).
Protein change: p.Arg336fs; shifts the reading frame from arginine 336.
Molecular consequence: frameshift variant.
Genome position (GRCh38, 1-based): chr9:132,911,477, T duplicated on the plus strand (A on the coding strand, the reverse complement: TSC1 is on the minus strand). VCF-style (leftmost placement, unchanged base first): chr9-132911476-G-GT. GRCh37 (hg19) VCF-style: chr9-135786863-G-GT.
Other names: c.1005dup, p.Arg336fs (NM_001162426.2); c.852dup, p.Arg285fs (NM_001162427.2); c.642dup, p.Arg215fs (NM_001362177.2); short protein forms R215fs, R285fs, R336fs.
Identifiers: ClinVar variation 1333321 (VCV001333321.3), dbSNP rs2131975092, ClinGen allele CA2573053126.